The following is an entry in ClinVar:

ClinVar aggregate classification (germline): Likely benign. Review status: criteria provided, multiple submitters, no conflicts (2 of 4 stars). 2 submissions from 2 submitters: Likely benign (2). Last evaluated 2026-01-13.

Allele frequency attached by ClinVar (database versions not stated): TOPMed 0.00013.
gnomAD v4.1: 92 of 1,598,236 alleles (0.0058%); highest among the groups gnomAD compares: Middle Eastern, 0.022%; no homozygotes.

Submissions (2):

Labcorp Genetics (formerly Invitae), Labcorp
Classification: Likely benign. Last evaluated: 2026-01-13. Review status: criteria provided, single submitter. Criteria: Invitae Variant Classification Sherloc (09022015). Collection method: clinical testing. Allele origin: germline.

GeneDx
Classification: Likely benign. Last evaluated: 2016-10-11. Review status: criteria provided, single submitter. Criteria: GeneDx Variant Classification (06012015). Collection method: clinical testing. Allele origin: germline. Affected: yes.
Comment: This variant is considered likely benign or benign based on one or more of the following criteria: it is a conservative change, it occurs at a poorly conserved position in the protein, it is predicted to be benign by multiple in silico algorithms, and/or has population frequency not consistent with disease.

NM_020247.5(COQ8A):c.1256+11C>T

Gene: COQ8A (coenzyme Q8A; plus strand). Cytogenetic location: 1q42.13.
Variant type: single nucleotide variant.
Coding change: c.1256+11C>T on transcript NM_020247.5 (MANE Select); 11 bases into the intron after coding-DNA position 1256, C replaced by T.
Molecular consequence: intron variant.
Genome position (GRCh38, 1-based): chr1:226,983,865, C>T. VCF-style: chr1-226983865-C-T. GRCh37 (hg19) VCF-style: chr1-227171566-C-T.
Identifiers: ClinVar variation 389632 (VCV000389632.8), dbSNP rs564593360, ClinGen allele CA1425384.